The following is an entry in ClinVar:

NM_000037.4(ANK1):c.1153C>T (p.Arg385Cys)

Gene: ANK1 (ankyrin 1; minus strand). Cytogenetic location: 8p11.21.
Variant type: single nucleotide variant.
Coding change: c.1153C>T on transcript NM_000037.4 (MANE Select); coding-DNA position 1153, C replaced by T.
Protein change: p.Arg385Cys; replaces arginine 385 with cysteine.
Molecular consequence: missense variant.
Genome position (GRCh38, 1-based): chr8:41,718,159, G>A on the plus strand (C>T on the coding strand, the complement: ANK1 is on the minus strand). VCF-style: chr8-41718159-G-A. GRCh37 (hg19) VCF-style: chr8-41575677-G-A.
Other names: p.Arg385Cys; c.1153C>T (NM_020476.2); c.1252C>T, p.Arg418Cys (NM_001142446.2); c.1153C>T, p.Arg385Cys (NM_020475.3, NM_020476.3, NM_020477.3); short protein forms R385C, R418C.
Identifiers: ClinVar variation 810949 (VCV000810949.27), dbSNP rs142626656, ClinGen allele CA4728717.

ClinVar aggregate classification (germline): Conflicting classifications of pathogenicity. Review status: criteria provided, conflicting classifications (1 of 4 stars). 7 submissions from 6 submitters: Uncertain significance (4); Likely benign (2). 1 of the submissions does not count toward it. Last evaluated 2026-01-26.

Conditions:
Immunodeficiency 62. Identifiers: Orphanet 696942, MedGen C5193109, MONDO:0032763, OMIM 618459.
ANK1-related disorder. Also called: ANK1-related condition.
Hereditary spherocytosis type 1. Also called: Spherocytosis type 1; ANK1-Related Spherocytosis. Identifiers: Orphanet 822, MedGen C2674218, MONDO:0008447, OMIM 182900.
Spherocytosis. Identifiers: MedGen C0553720, HP:0004444.

Allele frequency attached by ClinVar (database versions not stated): TOPMed 0.00075; ExAC 0.00055; gnomAD 0.00070 and 0.00067; 1000 Genomes Project 30x 0.00078; ESP Exome Variant Server 0.00069; 1000 Genomes Project 0.00080.
gnomAD v4.1: 1,624 of 1,614,028 alleles (0.1%); highest among the groups gnomAD compares: Non-Finnish European, 0.13%; no homozygotes.

Submissions (7):

Labcorp Genetics (formerly Invitae), Labcorp
Classification: Uncertain significance. Last evaluated: 2026-01-26. Review status: criteria provided, single submitter. Criteria: Invitae Variant Classification Sherloc (09022015). Collection method: clinical testing. Allele origin: germline.
Comment: This sequence change replaces arginine, which is basic and polar, with cysteine, which is neutral and slightly polar, at codon 385 of the ANK1 protein (p.Arg385Cys). This variant is present in population databases (rs142626656, gnomAD 0.1%), and has an allele count higher than expected for a pathogenic variant. This variant has not been reported in the literature in individuals affected with ANK1-related conditions. ClinVar contains an entry for this variant (Variation ID: 810949). An algorithm developed to predict the effect of missense changes on protein structure and function (PolyPhen-2) suggests that this variant is likely to be disruptive. In summary, the available evidence is currently insufficient to determine the role of this variant in disease. Therefore, it has been classified as a Variant of Uncertain Significance.

ARUP Laboratories, Molecular Genetics and Genomics, ARUP Laboratories
Classification: Likely benign for Hereditary spherocytosis type 1. Last evaluated: 2025-07-28. Review status: criteria provided, single submitter. Criteria: ARUP Molecular Germline Variant Investigation Process 2024. Collection method: clinical testing. Allele origin: germline.

Mayo Clinic Laboratories, Mayo Clinic
Classification: Uncertain significance. Last evaluated: 2022-12-28. Review status: criteria provided, single submitter. Criteria: ACMG Guidelines, 2015. Collection method: clinical testing. Allele origin: germline. Observed: 8 variant alleles.

Genetics and Molecular Pathology, SA Pathology
Classification: Uncertain significance for Immunodeficiency 62. Last evaluated: 2022-09-14. Review status: criteria provided, single submitter. Criteria: ACMG Guidelines, 2015. Collection method: clinical testing. Allele origin: germline. Affected: yes.

Illumina Laboratory Services, Illumina
Classification: Likely benign for Hereditary spherocytosis type 1. Last evaluated: 2018-01-13. Review status: criteria provided, single submitter. Criteria: ICSL Variant Classification Criteria 13 December 2019. Collection method: clinical testing. Allele origin: germline.
Comment: This variant was observed in the ICSL laboratory as part of a predisposition screen in an ostensibly healthy population. It had not been previously curated by ICSL or reported in the Human Gene Mutation Database (HGMD: prior to June 1st, 2018), and was therefore a candidate for classification through an automated scoring system. Utilizing variant allele frequency, disease prevalence and penetrance estimates, and inheritance mode, an automated score was calculated to assess if this variant is too frequent to cause the disease. Based on the score and internal cut-off values, a variant classified as likely benign is not then subjected to further curation. The score for this variant resulted in a classification of likely benign for this disease.

Illumina Laboratory Services, Illumina
Classification: Uncertain significance for Spherocytosis. Last evaluated: 2018-01-13. Review status: criteria provided, single submitter. Criteria: ICSL Variant Classification Criteria 13 December 2019. Collection method: clinical testing. Allele origin: germline.

PreventionGenetics, part of Exact Sciences
Classification: Likely benign for ANK1-related condition. Last evaluated: 2019-10-04. Review status: no assertion criteria provided. Collection method: clinical testing. Allele origin: germline. Not counted in ClinVar's aggregate classification.
Comment: This variant is classified as likely benign based on ACMG/AMP sequence variant interpretation guidelines (Richards et al. 2015 PMID: 25741868, with internal and published modifications).